The following is an entry in ClinVar:

NM_007144.3(PCGF2):c.406G>A (p.Glu136Lys)

Gene: PCGF2 (polycomb group ring finger 2; minus strand). Cytogenetic location: 17q12.
Variant type: single nucleotide variant.
Coding change: c.406G>A on transcript NM_007144.3 (MANE Select); coding-DNA position 406, G replaced by A.
Protein change: p.Glu136Lys; replaces glutamic acid 136 with lysine.
Molecular consequence: missense variant.
Genome position (GRCh38, 1-based): chr17:38,738,772, C>T on the plus strand (G>A on the coding strand, the complement: PCGF2 is on the minus strand). VCF-style: chr17-38738772-C-T. GRCh37 (hg19) VCF-style: chr17-36895025-C-T.
Other names: c.406G>A, p.Glu136Lys (NM_001369614.1, NM_001369615.1); short protein forms E136K.
Identifiers: ClinVar variation 3625971 (VCV003625971.2).

ClinVar aggregate classification (germline): Uncertain significance (1 of 4 stars; one submission).

gnomAD v4.1: 6 of 1,613,824 alleles (0.00037%); highest among the groups gnomAD compares: Admixed American, 0.0033%; no homozygotes.

Submission:

Labcorp Genetics (formerly Invitae), Labcorp
Classification: Uncertain significance. Last evaluated: 2024-12-23. Review status: criteria provided, single submitter. Criteria: Invitae Variant Classification Sherloc (09022015). Collection method: clinical testing. Allele origin: germline.
Comment: This sequence change replaces glutamic acid, which is acidic and polar, with lysine, which is basic and polar, at codon 136 of the PCGF2 protein (p.Glu136Lys). This variant is present in population databases (rs373487471, gnomAD 0.003%). This variant has not been reported in the literature in individuals affected with PCGF2-related conditions. Invitae Evidence Modeling of protein sequence and biophysical properties (such as structural, functional, and spatial information, amino acid conservation, physicochemical variation, residue mobility, and thermodynamic stability) indicates that this missense variant is not expected to disrupt PCGF2 protein function with a negative predictive value of 80%. In summary, the available evidence is currently insufficient to determine the role of this variant in disease. Therefore, it has been classified as a Variant of Uncertain Significance.